The following is an entry in ClinVar:

ClinVar aggregate classification (germline): Uncertain significance (1 of 4 stars; one submission).

gnomAD v4.1: 199 of 1,592,286 alleles (0.012%); highest among the groups gnomAD compares: Non-Finnish European, 0.017%; no homozygotes.

Submission:

Labcorp Genetics (formerly Invitae), Labcorp
Classification: Uncertain significance. Last evaluated: 2021-08-28. Review status: criteria provided, single submitter. Criteria: Invitae Variant Classification Sherloc (09022015). Collection method: clinical testing. Allele origin: germline.
Comment: This sequence change replaces glutamine with glutamic acid at codon 161 of the TGDS protein (p.Gln161Glu). The glutamine residue is weakly conserved and there is a small physicochemical difference between glutamine and glutamic acid. This variant is present in population databases (rs772868057, ExAC 0.002%). This variant has not been reported in the literature in individuals affected with TGDS-related conditions. Algorithms developed to predict the effect of missense changes on protein structure and function (SIFT, PolyPhen-2, Align-GVGD) all suggest that this variant is likely to be tolerated. Algorithms developed to predict the effect of sequence changes on RNA splicing suggest that this variant may create or strengthen a splice site. In summary, the available evidence is currently insufficient to determine the role of this variant in disease. Therefore, it has been classified as a Variant of Uncertain Significance.

NM_014305.4(TGDS):c.481C>G (p.Gln161Glu)

Gene: TGDS (TDP-glucose 4,6-dehydratase; minus strand). Cytogenetic location: 13q32.1.
Variant type: single nucleotide variant.
Coding change: c.481C>G on transcript NM_014305.4 (MANE Select); coding-DNA position 481, C replaced by G.
Protein change: p.Gln161Glu; replaces glutamine 161 with glutamic acid.
Molecular consequence: missense variant. On other transcripts: non-coding transcript variant (2).
Genome position (GRCh38, 1-based): chr13:94,581,165, G>C on the plus strand (C>G on the coding strand, the complement: TGDS is on the minus strand). VCF-style: chr13-94581165-G-C. GRCh37 (hg19) VCF-style: chr13-95233419-G-C.
Other names: c.385C>G, p.Gln129Glu (NM_001304430.2); short protein forms Q129E, Q161E.
Identifiers: ClinVar variation 2419927 (VCV002419927.3), dbSNP rs772868057, ClinGen allele CA7018020.